The following is an entry in ClinVar:

NM_001290043.2(TAP2):c.1496C>T (p.Thr499Met)

Gene: TAP2 (transporter 2, ATP binding cassette subfamily B member; minus strand). Cytogenetic location: 6p21.32.
Variant type: single nucleotide variant.
Coding change: c.1496C>T on transcript NM_001290043.2 (MANE Select); coding-DNA position 1496, C replaced by T.
Protein change: p.Thr499Met; replaces threonine 499 with methionine.
Molecular consequence: missense variant.
Genome position (GRCh38, 1-based): chr6:32,830,406, G>A on the plus strand (C>T on the coding strand, the complement: TAP2 is on the minus strand). VCF-style: chr6-32830406-G-A. GRCh37 (hg19) VCF-style: chr6-32798183-G-A.
Other names: c.1496C>T, p.Thr499Met (NM_018833.3, NM_000544.3); short protein forms T499M.
Identifiers: ClinVar variation 862130 (VCV000862130.5), dbSNP rs146801469, ClinGen allele CA3745881.
Genomic context (GRCh38, chr6:32,830,406, plus strand): 5'-AGATTCTGCAGCAGGGCAGCCACTGTGCTCTTCCCAGACCCATTGGGTCCCACCAGCGCC[G>A]TCACCTCACCAGGACGTAGGGTAAACGTCAGCCCCTAGAAAACCAGAAAAAGAGTTAAGG-3'
Protein context (NP_001276972.1, residues 489-509): LTFTLRPGEV[Thr499Met]ALVGPNGSGK

ClinVar aggregate classification (germline): Uncertain significance (1 of 4 stars; one submission).

Conditions:
MHC class I deficiency. Identifiers: Orphanet 34592, MedGen C6024714, MONDO:0011476.

Allele frequency attached by ClinVar (database versions not stated): gnomAD exomes 0.00004; TOPMed 0.00005; ESP Exome Variant Server 0.00024; gnomAD 0.00003; ExAC 0.00005.
gnomAD v4.1: 18 of 1,612,650 alleles (0.0011%); highest among the groups gnomAD compares: African/African-American, 0.008%; no homozygotes.

Submission:

Labcorp Genetics (formerly Invitae), Labcorp
Classification: Uncertain significance for MHC class I deficiency 1. Last evaluated: 2021-12-16. Review status: criteria provided, single submitter. Criteria: Invitae Variant Classification Sherloc (09022015). Collection method: clinical testing. Allele origin: germline.
Comment: This sequence change replaces threonine, which is neutral and polar, with methionine, which is neutral and non-polar, at codon 499 of the TAP2 protein (p.Thr499Met). This variant is present in population databases (rs146801469, gnomAD 0.01%). This variant has not been reported in the literature in individuals affected with TAP2-related conditions. ClinVar contains an entry for this variant (Variation ID: 862130). Algorithms developed to predict the effect of missense changes on protein structure and function are either unavailable or do not agree on the potential impact of this missense change (SIFT: "Deleterious"; PolyPhen-2: "Not Available"; Align-GVGD: "Class C0"). In summary, the available evidence is currently insufficient to determine the role of this variant in disease. Therefore, it has been classified as a Variant of Uncertain Significance.